The following is an entry in ClinVar:

NM_080826.2(ISM1):c.1096C>A (p.Arg366=)

Genes: ISM1 (isthmin 1; plus strand), TASP1 (taspase 1; minus strand). Cytogenetic location: 20p12.1.
Variant type: single nucleotide variant.
Coding change: c.1096C>A on transcript NM_080826.2 (MANE Select); coding-DNA position 1096, C replaced by A.
Protein change: p.Arg366=; no amino-acid change (arginine 366 retained).
Molecular consequence: synonymous variant.
Genome position (GRCh38, 1-based): chr20:13,299,160, C>A. VCF-style: chr20-13299160-C-A. GRCh37 (hg19) VCF-style: chr20-13279807-C-A.
Identifiers: ClinVar variation 3352076 (VCV003352076.1).

ClinVar aggregate classification (germline): Likely benign (0 of 4 stars; one submission).

Conditions:
ISM1-related disorder. Also called: ISM1-related condition.

gnomAD v4.1: 100 of 1,610,538 alleles (0.0062%); highest among the groups gnomAD compares: Non-Finnish European, 0.0082%; no homozygotes.

Submission:

PreventionGenetics, part of Exact Sciences
Classification: Likely benign for ISM1-related condition. Last evaluated: 2024-08-18. Review status: no assertion criteria provided. Collection method: clinical testing. Allele origin: germline.
Comment: This variant is classified as likely benign based on ACMG/AMP sequence variant interpretation guidelines (Richards et al. 2015 PMID: 25741868, with internal and published modifications).